The following is an entry in ClinVar:

NM_004415.4(DSP):c.3558A>G (p.Arg1186=)

Gene: DSP (desmoplakin; plus strand). Cytogenetic location: 6p24.3.
Variant type: single nucleotide variant.
Coding change: c.3558A>G on transcript NM_004415.4 (MANE Select); coding-DNA position 3558, A replaced by G.
Protein change: p.Arg1186=; no amino-acid change (arginine 1186 retained).
Molecular consequence: synonymous variant.
Genome position (GRCh38, 1-based): chr6:7,579,748, A>G. VCF-style: chr6-7579748-A-G. GRCh37 (hg19) VCF-style: chr6-7579981-A-G.
Other names: c.3558A>G, p.Arg1186= (NM_001008844.3, NM_001319034.2).
Identifiers: ClinVar variation 3069523 (VCV003069523.1), dbSNP rs754299901, ClinGen allele CA038395.

ClinVar aggregate classification (germline): Likely benign (1 of 4 stars; one submission).

Conditions:
Arrhythmogenic cardiomyopathy with wooly hair and keratoderma. Also called: Carvajal syndrome; PALMOPLANTAR KERATODERMA WITH LEFT VENTRICULAR CARDIOMYOPATHY AND WOOLLY HAIR; Dilated cardiomyopathy with woolly hair and keratoderma; Arrhythmogenic cardiomyopathy with woolly hair and keratoderma. Identifiers: Orphanet 65282, MedGen C1854063, MONDO:0011581, OMIM 605676.

Allele frequency attached by ClinVar (database versions not stated): TOPMed below 0.00001; ExAC 0.00001.

Submission:

All of Us Research Program, National Institutes of Health
Classification: Likely benign for Arrhythmogenic cardiomyopathy with wooly hair and keratoderma. Last evaluated: 2023-02-24. Review status: criteria provided, single submitter. Criteria: ACMG Guidelines, 2015. Collection method: clinical testing. Allele origin: germline. Inheritance: Autosomal dominant inheritance. Observed: 1 variant allele, 1 heterozygote.
Comment: This study involves interpretation of variants in research participants for the purpose of population health screening. Participant phenotype was not available at the time of variant classification. Additional details can be found in publication PMID: 35346344, PMCID: PMC8962531